The following is an entry in ClinVar:

NM_001376587.1(IFI16):c.277G>A (p.Ala93Thr)

Genes: IFI16 (interferon gamma inducible protein 16; plus strand), LOC126805886 (CDK7 strongly-dependent group 2 enhancer GRCh37_chr1:158984807-158986006; plus strand). Cytogenetic location: 1q23.1.
Variant type: single nucleotide variant.
Coding change: c.277G>A on transcript NM_001376587.1 (MANE Select); coding-DNA position 277, G replaced by A.
Protein change: p.Ala93Thr; replaces alanine 93 with threonine.
Molecular consequence: missense variant.
Genome position (GRCh38, 1-based): chr1:159,015,883, G>A. VCF-style: chr1-159015883-G-A. GRCh37 (hg19) VCF-style: chr1-158985673-G-A.
Other names: c.277G>A, p.Ala93Thr (NM_001206567.2, NM_001364867.2, NM_001376588.1 and 4 more transcripts); short protein forms A93T.
Identifiers: ClinVar variation 2639481 (VCV002639481.24), dbSNP rs116270651, ClinGen allele CA1186358.

ClinVar aggregate classification (germline): Likely benign (1 of 4 stars; one submission).

Allele frequency attached by ClinVar (database versions not stated): 1000 Genomes Project 0.00240; 1000 Genomes Project 30x 0.00297; ESP Exome Variant Server 0.00515; TOPMed 0.00519; ExAC 0.00545; gnomAD exomes 0.00635.
gnomAD v4.1: 10,072 of 1,612,128 alleles (0.62%); highest among the groups gnomAD compares: Non-Finnish European, 0.73%; 39 homozygotes.

Submission:

CeGaT Center for Human Genetics Tuebingen
Classification: Likely benign. Last evaluated: 2023-03-01. Review status: criteria provided, single submitter. Criteria: CeGaT Center For Human Genetics Tuebingen Variant Classification Criteria Version 2. Collection method: clinical testing. Allele origin: germline. Affected: yes. Observed: 1 variant allele.
Comment: IFI16: BP4, BS2